The following is an entry in ClinVar:

NM_007126.5(VCP):c.2410C>T (p.Leu804=)

Gene: VCP (valosin containing protein; minus strand). Cytogenetic location: 9p13.3.
Variant type: single nucleotide variant.
Coding change: c.2410C>T on transcript NM_007126.5 (MANE Select); coding-DNA position 2410, C replaced by T.
Protein change: p.Leu804=; no amino-acid change (leucine 804 retained).
Molecular consequence: synonymous variant.
Genome position (GRCh38, 1-based): chr9:35,057,128, G>A on the plus strand (C>T on the coding strand, the complement: VCP is on the minus strand). VCF-style: chr9-35057128-G-A. GRCh37 (hg19) VCF-style: chr9-35057125-G-A.
Other names: c.2275C>T, p.Leu759= (NM_001354927.2, NM_001354928.2).
Identifiers: ClinVar variation 4985918 (VCV004985918.1).
Genomic context (GRCh38, chr9:35,057,128, plus strand): 5'-GGGAACAAGGTCCAGGCAGGCCAGCTCACTGCACGCTGGCCACCACCACTTAGCCATACA[G>A]GTCATCATCATTGTCTTCTGTGTATACACTGCCACCTGTGCCGCCTCCACTGCCCTGACT-3'
Protein context (NP_009057.1, residues 794-806): SVYTEDNDDD[Leu804=]YG

ClinVar aggregate classification (germline): Likely benign (1 of 4 stars; one submission).

Conditions:
VCP-related disorder. Also called: VCP-related condition; VCP-related disorders.

gnomAD v4.1: 16 of 1,613,986 alleles (0.00099%); highest among the groups gnomAD compares: Non-Finnish European, 0.0014%; no homozygotes.

Submission:

PreventionGenetics, part of Exact Sciences
Classification: Likely benign for VCP-related condition. Last evaluated: 2026-04-18. Review status: criteria provided, single submitter. Criteria: ACMG Guidelines, 2015. Collection method: clinical testing. Allele origin: germline.
Comment: This variant is classified as likely benign based on ACMG/AMP sequence variant interpretation guidelines (Richards et al. 2015 PMID: 25741868, with internal and published modifications).